The following is an entry in ClinVar:

ClinVar aggregate classification (germline): Uncertain significance. Review status: criteria provided, multiple submitters, no conflicts (2 of 4 stars). 8 submissions from 8 submitters: Uncertain significance (8). Last evaluated 2025-12-12.

Conditions:
Hereditary cancer-predisposing syndrome. Also called: Neoplastic Syndromes, Hereditary; Hereditary Cancer Syndrome; Tumor predisposition; Hereditary neoplastic syndrome. Identifiers: Orphanet 140162, MedGen C0027672, MeSH D009386, MONDO:0015356.
Multiple endocrine neoplasia, type 2 (MEN2). Identifiers: Orphanet 653, MedGen C4048306, MONDO:0019003. Disease mechanism: gain of function.
Pheochromocytoma. Also called: MAX-Related Hereditary Paraganglioma-Pheochromocytoma Syndrome. Identifiers: Orphanet 29072, MedGen C0031511, MONDO:0008233, OMIM 171300, HP:0002666.
Familial medullary thyroid carcinoma (MTC). Also called: Thyroid cancer, familial medullary; MTC, familial; Familial Medullary Thyroid Carcinoma (FMTC). Identifiers: Orphanet 653, Orphanet 99361, MedGen C1833921, MONDO:0007958, OMIM 155240.
Multiple endocrine neoplasia type 2B. Also called: Multiple endocrine neoplasia, type 3; MULTIPLE ENDOCRINE NEOPLASIA, TYPE IIB; MUCOSAL NEUROMA SYNDROME; MEN 2B; Multiple Endocrine Neoplasia Type 2B (MEN2B); MEN IIB. Identifiers: Orphanet 247709, Orphanet 653, MedGen C0025269, MeSH D018814, MONDO:0008082, OMIM 162300.
Multiple endocrine neoplasia type 2A. Also called: MULTIPLE ENDOCRINE NEOPLASIA, TYPE IIA; PTC SYNDROME; SIPPLE SYNDROME; MEN 2A; MEN-2A syndrome; Pheochromocytoma and amyloid producing medullary thyroid carcinoma. Identifiers: Orphanet 247698, Orphanet 653, MedGen C0025268, MeSH D018813, MONDO:0008234, OMIM 171400.
Hirschsprung disease, susceptibility to, 1 (HSCR1). Also called: RET-Related Hirschsprung Disease. Identifiers: Orphanet 388, MedGen C3888239, MONDO:0007723, OMIM 142623.
RET-related disorder. Also called: RET-related disorders; RET-related condition; RET-related disease.

Allele frequency attached by ClinVar (database versions not stated): gnomAD 0.00001 and 0.00002; TOPMed 0.00001.
gnomAD v4.1: 11 of 1,612,816 alleles (0.00068%); highest among the groups gnomAD compares: Admixed American, 0.0017%; no homozygotes.

Submissions (8):

PreventionGenetics, part of Exact Sciences
Classification: Uncertain significance for RET-related condition. Last evaluated: 2025-12-12. Review status: criteria provided, single submitter. Criteria: ACMG Guidelines, 2015. Collection method: clinical testing. Allele origin: germline.
Comment: The RET c.2486G>C variant is predicted to result in the amino acid substitution p.Ser829Thr. To our knowledge, this variant has not been reported in the literature. This variant is reported in 0.0065% of alleles in individuals of European (Non-Finnish) descent in gnomAD and is interpreted as uncertain in ClinVar (Variation ID: 543736). At this time, the clinical significance of this variant is uncertain due to the absence of conclusive functional and genetic evidence.

Labcorp Genetics (formerly Invitae), Labcorp
Classification: Uncertain significance for Multiple endocrine neoplasia, type 2. Last evaluated: 2025-12-02. Review status: criteria provided, single submitter. Criteria: Invitae Variant Classification Sherloc (09022015). Collection method: clinical testing. Allele origin: germline.
Comment: This sequence change replaces serine, which is neutral and polar, with threonine, which is neutral and polar, at codon 829 of the RET protein (p.Ser829Thr). This variant is present in population databases (no rsID available, gnomAD 0.007%). This variant has not been reported in the literature in individuals affected with RET-related conditions. ClinVar contains an entry for this variant (Variation ID: 543736). An algorithm developed to predict the effect of missense changes on protein structure and function (PolyPhen-2) suggests that this variant is likely to be tolerated. In summary, the available evidence is currently insufficient to determine the role of this variant in disease. Therefore, it has been classified as a Variant of Uncertain Significance.

Quest Diagnostics Nichols Institute San Juan Capistrano
Classification: Uncertain significance. Last evaluated: 2025-10-14. Review status: criteria provided, single submitter. Criteria: Quest Diagnostics criteria. Collection method: clinical testing. Allele origin: unknown.

Ambry Genetics
Classification: Uncertain significance for Hereditary cancer-predisposing syndrome. Last evaluated: 2024-03-28. Review status: criteria provided, single submitter. Criteria: Ambry Variant Classification Scheme 2023. Collection method: clinical testing. Allele origin: germline.
Comment: The p.S829T variant (also known as c.2486G>C), located in coding exon 14 of the RET gene, results from a G to C substitution at nucleotide position 2486. The serine at codon 829 is replaced by threonine, an amino acid with similar properties. This amino acid position is not well conserved in available vertebrate species. In addition, this alteration is predicted to be tolerated by in silico analysis. Since supporting evidence is limited at this time, the clinical significance of this alteration remains unclear.

Baylor Genetics
Classification: Uncertain significance for Hirschsprung disease, susceptibility to, 1. Last evaluated: 2024-03-24. Review status: criteria provided, single submitter. Criteria: ACMG Guidelines, 2015. Collection method: clinical testing. Allele origin: unknown.

Fulgent Genetics
Classification: Uncertain significance for Hirschsprung disease, susceptibility to, 1; Familial medullary thyroid carcinoma; Multiple endocrine neoplasia type 2B; Pheochromocytoma; Multiple endocrine neoplasia type 2A. Last evaluated: 2024-02-21. Review status: criteria provided, single submitter. Criteria: ACMG Guidelines, 2015. Collection method: clinical testing. Allele origin: germline.

All of Us Research Program, National Institutes of Health
Classification: Uncertain significance for Multiple endocrine neoplasia, type 2. Last evaluated: 2023-12-18. Review status: criteria provided, single submitter. Criteria: ACMG Guidelines, 2015. Collection method: clinical testing. Allele origin: germline. Inheritance: Autosomal dominant inheritance. Observed: 5 variant alleles, 5 heterozygotes.
Comment: This missense variant replaces serine with threonine at codon 829 of the RET protein. Computational prediction suggests that this variant may not impact protein structure and function (internally defined REVEL score threshold <= 0.5, PMID: 27666373). To our knowledge, functional studies have not been reported for this variant. This variant has not been reported in individuals affected with RET-related disorders in the literature. This variant has been identified in 1/31358 chromosomes in the general population by the Genome Aggregation Database (gnomAD). The available evidence is insufficient to determine the role of this variant in disease conclusively. Therefore, this variant is classified as a Variant of Uncertain Significance.

This study involves interpretation of variants in research participants for the purpose of population health screening. Participant phenotype was not available at the time of variant classification. Additional details can be found in publication PMID: 35346344, PMCID: PMC8962531

Color Diagnostics, LLC DBA Color Health
Classification: Uncertain significance for Multiple endocrine neoplasia, type 2. Last evaluated: 2023-11-28. Review status: criteria provided, single submitter. Criteria: ACMG Guidelines, 2015. Collection method: clinical testing. Allele origin: germline.
Comment: This missense variant replaces serine with threonine at codon 829 of the RET protein. Computational prediction suggests that this variant may not impact protein structure and function. To our knowledge, functional studies have not been reported for this variant. This variant has not been reported in individuals affected with RET-related disorders in the literature. This variant has been identified in 1/31358 chromosomes in the general population by the Genome Aggregation Database (gnomAD). The available evidence is insufficient to determine the role of this variant in disease conclusively. Therefore, this variant is classified as a Variant of Uncertain Significance.

NM_020975.6(RET):c.2486G>C (p.Ser829Thr)

Gene: RET (ret proto-oncogene; plus strand). Cytogenetic location: 10q11.21.
Variant type: single nucleotide variant.
Coding change: c.2486G>C on transcript NM_020975.6 (MANE Select); coding-DNA position 2486, G replaced by C.
Protein change: p.Ser829Thr; replaces serine 829 with threonine.
Molecular consequence: missense variant.
Genome position (GRCh38, 1-based): chr10:43,119,624, G>C. VCF-style: chr10-43119624-G-C. GRCh37 (hg19) VCF-style: chr10-43615072-G-C.
Other names: c.1961G>C, p.Ser654Thr (NM_001406774.1); c.1760G>C, p.Ser587Thr (NM_001406775.1, NM_001406776.1, NM_001406777.1 and 1 more transcripts); c.2486G>C, p.Ser829Thr (NM_000323.2, NM_001406743.1, NM_001406744.1 and 4 more transcripts); c.1724G>C, p.Ser575Thr (NM_001355216.2); c.2357G>C, p.Ser786Thr (NM_001406761.1, NM_001406762.1, NM_001406764.1); c.2351G>C, p.Ser784Thr (NM_001406763.1, NM_001406765.1); c.2198G>C, p.Ser733Thr (NM_001406766.1, NM_001406767.1, NM_001406770.1); c.2222G>C, p.Ser741Thr (NM_001406768.1); and 10 more; short protein forms S829T, S575T, S394T, S530T, S733T, S346T, S485T, S587T.
Identifiers: ClinVar variation 543736 (VCV000543736.19), dbSNP rs943720843, ClinGen allele CA206266609.